The following is an entry in ClinVar:

NM_021615.5(CHST6):c.949G>C (p.Glu317Gln)

Gene: CHST6 (carbohydrate sulfotransferase 6; minus strand). Cytogenetic location: 16q23.1.
Variant type: single nucleotide variant.
Coding change: c.949G>C on transcript NM_021615.5 (MANE Select); coding-DNA position 949, G replaced by C.
Protein change: p.Glu317Gln; replaces glutamic acid 317 with glutamine.
Molecular consequence: missense variant.
Genome position (GRCh38, 1-based): chr16:75,478,880, C>G on the plus strand (G>C on the coding strand, the complement: CHST6 is on the minus strand). VCF-style: chr16-75478880-C-G. GRCh37 (hg19) VCF-style: chr16-75512778-C-G.
Other names: c.949G>C (NM_021615.4); short protein forms E317Q.
Identifiers: ClinVar variation 1940403 (VCV001940403.6), dbSNP rs766507184, ClinGen allele CA8175345.

ClinVar aggregate classification (germline): Uncertain significance. Review status: criteria provided, multiple submitters, no conflicts (2 of 4 stars). 2 submissions from 2 submitters: Uncertain significance (2). Last evaluated 2025-09-05.

Conditions:
Inborn genetic diseases. Identifiers: MedGen C0950123, MeSH D030342.
Macular corneal dystrophy (MCD). Also called: Macular corneal dystrophy Type I; GROENOUW TYPE II CORNEAL DYSTROPHY. Identifiers: Orphanet 98969, MedGen C1636149, MONDO:0009020, OMIM 217800.

Allele frequency attached by ClinVar (database versions not stated): ExAC 0.00001; gnomAD 0.00001.
gnomAD v4.1: 6 of 1,613,262 alleles (0.00037%); highest among the groups gnomAD compares: Admixed American, 0.0017%; no homozygotes.

Submissions (2):

Ambry Genetics
Classification: Uncertain significance for Inborn genetic diseases. Last evaluated: 2025-09-05. Review status: criteria provided, single submitter. Criteria: Ambry Variant Classification Scheme 2023. Collection method: clinical testing. Allele origin: germline.

Labcorp Genetics (formerly Invitae), Labcorp
Classification: Uncertain significance for Macular corneal dystrophy. Last evaluated: 2022-04-20. Review status: criteria provided, single submitter. Criteria: Invitae Variant Classification Sherloc (09022015). Collection method: clinical testing. Allele origin: germline.
Comment: In summary, the available evidence is currently insufficient to determine the role of this variant in disease. Therefore, it has been classified as a Variant of Uncertain Significance. Algorithms developed to predict the effect of missense changes on protein structure and function are either unavailable or do not agree on the potential impact of this missense change (SIFT: "Deleterious"; PolyPhen-2: "Benign"; Align-GVGD: "Class C0"). This variant has not been reported in the literature in individuals affected with CHST6-related conditions. This variant is present in population databases (rs766507184, gnomAD 0.002%). This sequence change replaces glutamic acid, which is acidic and polar, with glutamine, which is neutral and polar, at codon 317 of the CHST6 protein (p.Glu317Gln).